The following is an entry in ClinVar:

ClinVar aggregate classification (germline): Likely benign. Review status: criteria provided, single submitter (1 of 4 stars). 2 submissions from 2 submitters: Likely benign (1). 1 of the submissions does not count toward it. Last evaluated 2023-03-15.

Conditions:
Retinitis pigmentosa 55 (RP55). Identifiers: Orphanet 791, MedGen C3150808, MONDO:0013312, OMIM 613575.
Bardet-Biedl syndrome 3 (BBS3). Identifiers: Orphanet 110, MedGen C1859564, MONDO:0010832, OMIM 600151.
ARL6-related disorder. Also called: ARL6-related condition.

Allele frequency attached by ClinVar (database versions not stated): TOPMed below 0.00001; gnomAD 0.00001.
gnomAD v4.1: 1 of 1,596,310 alleles (0.000063%); highest among the groups gnomAD compares: Non-Finnish European, 0.000086%; no homozygotes.

Submissions (2):

Labcorp Genetics (formerly Invitae), Labcorp
Classification: Likely benign for Retinitis pigmentosa 55; Bardet-Biedl syndrome 3. Last evaluated: 2023-03-15. Review status: criteria provided, single submitter. Criteria: Invitae Variant Classification Sherloc (09022015). Collection method: clinical testing. Allele origin: germline.

PreventionGenetics, part of Exact Sciences
Classification: Likely benign for ARL6-related condition. Last evaluated: 2020-04-06. Review status: no assertion criteria provided. Collection method: clinical testing. Allele origin: germline. Not counted in ClinVar's aggregate classification.
Comment: This variant is classified as likely benign based on ACMG/AMP sequence variant interpretation guidelines (Richards et al. 2015 PMID: 25741868, with internal and published modifications).

NM_001278293.3(ARL6):c.254+9A>C

Gene: ARL6 (ARF like GTPase 6; plus strand). Cytogenetic location: 3q11.2.
Variant type: single nucleotide variant.
Coding change: c.254+9A>C on transcript NM_001278293.3 (MANE Select); 9 bases into the intron after coding-DNA position 254, A replaced by C.
Molecular consequence: intron variant.
Genome position (GRCh38, 1-based): chr3:97,780,692, A>C. VCF-style: chr3-97780692-A-C. GRCh37 (hg19) VCF-style: chr3-97499536-A-C.
Other names: c.254+9A>C (NM_032146.5, NM_177976.3, NM_001323513.2 and 1 more transcripts).
Identifiers: ClinVar variation 2934503 (VCV002934503.4), dbSNP rs773293069, ClinGen allele CA784098126.